The following is an entry in ClinVar:

ClinVar aggregate classification (germline): Uncertain significance (1 of 4 stars; one submission).

gnomAD v4.1: 11 of 1,613,924 alleles (0.00068%); highest among the groups gnomAD compares: African/African-American, 0.0027%; no homozygotes.

Submission:

Labcorp Genetics (formerly Invitae), Labcorp
Classification: Uncertain significance. Last evaluated: 2024-04-24. Review status: criteria provided, single submitter. Criteria: Invitae Variant Classification Sherloc (09022015). Collection method: clinical testing. Allele origin: germline.
Comment: This sequence change replaces aspartic acid, which is acidic and polar, with asparagine, which is neutral and polar, at codon 409 of the TBX4 protein (p.Asp409Asn). This variant is present in population databases (rs757013870, gnomAD 0.007%). This variant has not been reported in the literature in individuals affected with TBX4-related conditions. Advanced modeling of protein sequence and biophysical properties (such as structural, functional, and spatial information, amino acid conservation, physicochemical variation, residue mobility, and thermodynamic stability) performed at Invitae indicates that this missense variant is not expected to disrupt TBX4 protein function with a negative predictive value of 95%. In summary, the available evidence is currently insufficient to determine the role of this variant in disease. Therefore, it has been classified as a Variant of Uncertain Significance.

NM_001321120.2(TBX4):c.1228G>A (p.Asp410Asn)

Gene: TBX4 (T-box transcription factor 4; plus strand). Cytogenetic location: 17q23.2.
Variant type: single nucleotide variant.
Coding change: c.1228G>A on transcript NM_001321120.2 (MANE Select); coding-DNA position 1228, G replaced by A.
Protein change: p.Asp410Asn; replaces aspartic acid 410 with asparagine.
Molecular consequence: missense variant.
Genome position (GRCh38, 1-based): chr17:61,483,103, G>A. VCF-style: chr17-61483103-G-A. GRCh37 (hg19) VCF-style: chr17-59560464-G-A.
Other names: c.1225G>A, p.Asp409Asn (NM_018488.3); short protein forms D409N, D410N.
Identifiers: ClinVar variation 3623483 (VCV003623483.2).